The following is an entry in ClinVar:

ClinVar aggregate classification (germline): Conflicting classifications of pathogenicity. Review status: criteria provided, conflicting classifications (1 of 4 stars). 3 submissions from 3 submitters: Likely pathogenic (2); Uncertain significance (1). Last evaluated 2025-11-04.

Conditions:
Autosomal recessive polycystic kidney disease (ARPKD). Also called: AR polycystic kidney disease. Identifiers: Orphanet 731, Orphanet 8378, MedGen C0085548, MeSH D017044, MONDO:0009889.
Polycystic kidney disease 4 (PKD4). Also called: PKD3; POLYCYSTIC KIDNEY DISEASE 4 WITH OR WITHOUT POLYCYSTIC LIVER DISEASE; POLYCYSTIC KIDNEY AND HEPATIC DISEASE 1; POLYCYSTIC KIDNEY DISEASE, INFANTILE, TYPE I; Autosomal Recessive Polycystic Kidney Disease – PKHD1. Identifiers: MedGen C4540575, MONDO:0033004, OMIM 263200.

Submissions (3):

Myriad Genetics, Inc.
Classification: Uncertain significance for Polycystic kidney disease 4. Last evaluated: 2025-11-04. Review status: criteria provided, single submitter. Criteria: Myriad Autosomal Dominant, Autosomal Recessive and X-Linked Classification Criteria (2023). Collection method: clinical testing. Allele origin: unknown.
Comment: NM_138694.3(PKHD1):c.10180T>C(C3394R) is a missense variant classified as a variant of uncertain significance in the context of autosomal recessive polycystic kidney disease, PKHD1-related. C3394R has been observed in cases with relevant disease (PMID: 27225849, 34536170). Relevant functional assessments of this variant are not available in the literature. C3394R has not been observed in referenced population frequency databases. In summary, there is insufficient evidence to classify NM_138694.3(PKHD1):c.10180T>C(C3394R) as pathogenic or benign. Please note: this variant was assessed in the context of healthy population screening.

Natera, Inc.
Classification: Likely pathogenic for Autosomal recessive polycystic kidney disease. Last evaluated: 2025-08-11. Review status: criteria provided, single submitter. Criteria: Natera Variant Classification Schema (03/2026). Collection method: clinical testing. Allele origin: germline.
Comment: The c.10180T>C variant in PKHD1 is a missense variant predicted to cause substitution of cysteine to arginine at amino acid 3394. This variant is rare in the general population with a frequency below the threshold expected for the associated phenotype(s). This variant has been observed in one or more individuals affected with the associated recessive disease, as either homozygous or compound heterozygous with a second variant (PMID: 27225849). This variant has been identified in one or more affected individuals with a phenotype highly consistent with the associated gene (PMID: 27225849). Computational prediction algorithms indicate this variant is likely to affect gene or protein function. Given the available evidence, this variant is classified as Likely Pathogenic.

Labcorp Genetics (formerly Invitae), Labcorp
Classification: Likely pathogenic for Autosomal recessive polycystic kidney disease. Last evaluated: 2022-03-02. Review status: criteria provided, single submitter. Criteria: Invitae Variant Classification Sherloc (09022015). Collection method: clinical testing. Allele origin: germline.
Comment: This missense change has been observed in individual(s) with PKHD1-related conditions (PMID: 27225849). In at least one individual the data is consistent with being in trans (on the opposite chromosome) from a pathogenic variant. This sequence change replaces cysteine, which is neutral and slightly polar, with arginine, which is basic and polar, at codon 3394 of the PKHD1 protein (p.Cys3394Arg). This variant is not present in population databases (gnomAD no frequency). Advanced modeling of protein sequence and biophysical properties (such as structural, functional, and spatial information, amino acid conservation, physicochemical variation, residue mobility, and thermodynamic stability) performed at Invitae indicates that this missense variant is expected to disrupt PKHD1 protein function. In summary, the currently available evidence indicates that the variant is pathogenic, but additional data are needed to prove that conclusively. Therefore, this variant has been classified as Likely Pathogenic.

Literature cited by the submitters: PubMed 27225849 (cited by 3 submitters); PubMed 34536170 (cited by Myriad Genetics, Inc.).

NM_138694.4(PKHD1):c.10180T>C (p.Cys3394Arg)

Gene: PKHD1 (PKHD1 ciliary IPT domain containing fibrocystin/polyductin; minus strand). Cytogenetic location: 6p12.3.
Variant type: single nucleotide variant.
Coding change: c.10180T>C on transcript NM_138694.4 (MANE Select); coding-DNA position 10180, T replaced by C.
Protein change: p.Cys3394Arg; replaces cysteine 3394 with arginine.
Molecular consequence: missense variant.
Genome position (GRCh38, 1-based): chr6:51,659,946, A>G on the plus strand (T>C on the coding strand, the complement: PKHD1 is on the minus strand). VCF-style: chr6-51659946-A-G. GRCh37 (hg19) VCF-style: chr6-51524744-A-G.
Other names: c.10180T>C (NM_138694.3); short protein forms C3394R.
Identifiers: ClinVar variation 2136410 (VCV002136410.6), dbSNP rs2533458266, ClinGen allele CA364437554.